The following is an entry in ClinVar:

ClinVar aggregate classification (germline): Uncertain significance (1 of 4 stars; one submission).

Conditions:
Brugada syndrome 8 (BRGDA8). Identifiers: Orphanet 130, MedGen C2751083, MONDO:0013148, OMIM 613123.

Allele frequency attached by ClinVar (database versions not stated): gnomAD exomes below 0.00001.

Submission:

Labcorp Genetics (formerly Invitae), Labcorp
Classification: Uncertain significance for Brugada syndrome 8. Last evaluated: 2024-05-19. Review status: criteria provided, single submitter. Criteria: Invitae Variant Classification Sherloc (09022015). Collection method: clinical testing. Allele origin: germline.
Comment: This sequence change replaces leucine, which is neutral and non-polar, with proline, which is neutral and non-polar, at codon 1165 of the HCN4 protein (p.Leu1165Pro). This variant is present in population databases (no rsID available, gnomAD 0.003%). This variant has not been reported in the literature in individuals affected with HCN4-related conditions. ClinVar contains an entry for this variant (Variation ID: 1369977). Advanced modeling of protein sequence and biophysical properties (such as structural, functional, and spatial information, amino acid conservation, physicochemical variation, residue mobility, and thermodynamic stability) performed at Invitae indicates that this missense variant is not expected to disrupt HCN4 protein function with a negative predictive value of 95%. In summary, the available evidence is currently insufficient to determine the role of this variant in disease. Therefore, it has been classified as a Variant of Uncertain Significance.

NM_005477.3(HCN4):c.3494T>C (p.Leu1165Pro)

Gene: HCN4 (hyperpolarization activated cyclic nucleotide gated potassium channel 4; minus strand). Cytogenetic location: 15q24.1.
Variant type: single nucleotide variant.
Coding change: c.3494T>C on transcript NM_005477.3 (MANE Select); coding-DNA position 3494, T replaced by C.
Protein change: p.Leu1165Pro; replaces leucine 1165 with proline.
Molecular consequence: missense variant.
Genome position (GRCh38, 1-based): chr15:73,322,599, A>G on the plus strand (T>C on the coding strand, the complement: HCN4 is on the minus strand). VCF-style: chr15-73322599-A-G. GRCh37 (hg19) VCF-style: chr15-73614940-A-G.
Other names: short protein forms L1165P.
Identifiers: ClinVar variation 1369977 (VCV001369977.8), dbSNP rs1209424601, ClinGen allele CA393085121.